The following is an entry in ClinVar:

ClinVar aggregate classification (germline): Uncertain significance (1 of 4 stars; one submission).

Conditions:
Growth hormone insensitivity with immune dysregulation 1, autosomal recessive. Also called: GROWTH HORMONE INSENSITIVITY DUE TO POSTRECEPTOR DEFECT; Laron syndrome with immunodeficiency; LARON SYNDROME DUE TO POSTRECEPTOR DEFECT; GROWTH HORMONE INSENSITIVITY SYNDROME WITH IMMUNE DYSREGULATION 1, AUTOSOMAL RECESSIVE. Identifiers: Orphanet 220465, MedGen C5435698, MONDO:0100211, OMIM 245590.

Submission:

Labcorp Genetics (formerly Invitae), Labcorp
Classification: Uncertain significance for Growth hormone insensitivity with immune dysregulation 1, autosomal recessive. Last evaluated: 2022-10-07. Review status: criteria provided, single submitter. Criteria: Invitae Variant Classification Sherloc (09022015). Collection method: clinical testing. Allele origin: germline.
Comment: This sequence change replaces leucine, which is neutral and non-polar, with valine, which is neutral and non-polar, at codon 759 of the STAT5B protein (p.Leu759Val). This variant is not present in population databases (gnomAD no frequency). This variant has not been reported in the literature in individuals affected with STAT5B-related conditions. Algorithms developed to predict the effect of missense changes on protein structure and function are either unavailable or do not agree on the potential impact of this missense change (SIFT: "Tolerated"; PolyPhen-2: "Possibly Damaging"; Align-GVGD: "Class C0"). In summary, the available evidence is currently insufficient to determine the role of this variant in disease. Therefore, it has been classified as a Variant of Uncertain Significance.

NM_012448.4(STAT5B):c.2275C>G (p.Leu759Val)

Gene: STAT5B (signal transducer and activator of transcription 5B; minus strand). Cytogenetic location: 17q21.2.
Variant type: single nucleotide variant.
Coding change: c.2275C>G on transcript NM_012448.4 (MANE Select); coding-DNA position 2275, C replaced by G.
Protein change: p.Leu759Val; replaces leucine 759 with valine.
Molecular consequence: missense variant.
Genome position (GRCh38, 1-based): chr17:42,201,827, G>C on the plus strand (C>G on the coding strand, the complement: STAT5B is on the minus strand). VCF-style: chr17-42201827-G-C. GRCh37 (hg19) VCF-style: chr17-40353845-G-C.
Other names: short protein forms L759V.
Identifiers: ClinVar variation 1720483 (VCV001720483.6), dbSNP rs2080046761, ClinGen allele CA399572709.